The following is an entry in ClinVar:

ClinVar aggregate classification (germline): Uncertain significance (1 of 4 stars; one submission).

Conditions:
Wilson disease (WND). Also called: Wilson's disease. Identifiers: Orphanet 905, MedGen C0019202, MONDO:0010200, OMIM 277900. Disease mechanism: loss of function.

gnomAD v4.1: 1 of 1,614,220 alleles (0.000062%); highest among the groups gnomAD compares: Non-Finnish European, 0.000085%; no homozygotes.

Submission:

Labcorp Genetics (formerly Invitae), Labcorp
Classification: Uncertain significance for Wilson disease. Last evaluated: 2022-05-10. Review status: criteria provided, single submitter. Criteria: Invitae Variant Classification Sherloc (09022015). Collection method: clinical testing. Allele origin: germline.
Comment: In summary, the available evidence is currently insufficient to determine the role of this variant in disease. Therefore, it has been classified as a Variant of Uncertain Significance. Advanced modeling of protein sequence and biophysical properties (such as structural, functional, and spatial information, amino acid conservation, physicochemical variation, residue mobility, and thermodynamic stability) performed at Invitae indicates that this missense variant is expected to disrupt ATP7B protein function. This variant has not been reported in the literature in individuals affected with ATP7B-related conditions. This variant is not present in population databases (gnomAD no frequency). This sequence change replaces methionine, which is neutral and non-polar, with lysine, which is basic and polar, at codon 796 of the ATP7B protein (p.Met796Lys).

NM_000053.4(ATP7B):c.2387T>A (p.Met796Lys)

Gene: ATP7B (ATPase copper transporting beta; minus strand). Cytogenetic location: 13q14.3.
Variant type: single nucleotide variant.
Coding change: c.2387T>A on transcript NM_000053.4 (MANE Select); coding-DNA position 2387, T replaced by A.
Protein change: p.Met796Lys; replaces methionine 796 with lysine.
Molecular consequence: missense variant.
Genome position (GRCh38, 1-based): chr13:51,957,576, A>T on the plus strand (T>A on the coding strand, the complement: ATP7B is on the minus strand). VCF-style: chr13-51957576-A-T. GRCh37 (hg19) VCF-style: chr13-52531712-A-T.
Other names: c.1901T>A, p.Met634Lys (NM_001005918.3, NM_001406541.1, NM_001406542.1 and 1 more transcripts); c.2054T>A, p.Met685Lys (NM_001243182.2); c.2153T>A, p.Met718Lys (NM_001330578.2, NM_001406534.1, NM_001406538.1 and 2 more transcripts); c.2135T>A, p.Met712Lys (NM_001330579.2, NM_001406531.1, NM_001406532.1 and 1 more transcripts); c.2387T>A, p.Met796Lys (NM_001406511.1, NM_001406512.1, NM_001406513.1 and 7 more transcripts); c.2354T>A, p.Met785Lys (NM_001406514.1); c.2291T>A, p.Met764Lys (NM_001406517.1, NM_001406518.1); c.2057T>A, p.Met686Lys (NM_001406536.1); and 7 more; short protein forms M634K, M680K, M685K, M686K, M718K, M748K, M785K, M580K.
Identifiers: ClinVar variation 1992635 (VCV001992635.4), dbSNP rs2547710010, ClinGen allele CA388020356.